The following is an entry in ClinVar:

ClinVar aggregate classification (germline): Uncertain significance (1 of 4 stars; one submission).

Submission:

Labcorp Genetics (formerly Invitae), Labcorp
Classification: Uncertain significance. Last evaluated: 2024-09-06. Review status: criteria provided, single submitter. Criteria: Invitae Variant Classification Sherloc (09022015). Collection method: clinical testing. Allele origin: germline.
Comment: This sequence change falls in intron 1 of the PLAA gene. It does not directly change the encoded amino acid sequence of the PLAA protein. It affects a nucleotide within the consensus splice site. This variant is not present in population databases (gnomAD no frequency). This variant has not been reported in the literature in individuals affected with PLAA-related conditions. Variants that disrupt the consensus splice site are a relatively common cause of aberrant splicing (PMID: 17576681, 9536098). Algorithms developed to predict the effect of sequence changes on RNA splicing suggest that this variant may disrupt the consensus splice site. In summary, the available evidence is currently insufficient to determine the role of this variant in disease. Therefore, it has been classified as a Variant of Uncertain Significance.

Literature cited by the submitters: PubMed 17576681; PubMed 9536098.

NM_001031689.3(PLAA):c.149+5G>A

Gene: PLAA (phospholipase A2 activating protein; minus strand). Cytogenetic location: 9p21.2.
Variant type: single nucleotide variant.
Coding change: c.149+5G>A on transcript NM_001031689.3 (MANE Select); 5 bases into the intron after coding-DNA position 149, G replaced by A.
Molecular consequence: intron variant.
Genome position (GRCh38, 1-based): chr9:26,946,892, C>T on the plus strand (G>A on the coding strand, the complement: PLAA is on the minus strand). VCF-style: chr9-26946892-C-T. GRCh37 (hg19) VCF-style: chr9-26946890-C-T.
Other names: c.149+5G>A (NM_001321546.2).
Identifiers: ClinVar variation 2788667 (VCV002788667.3), dbSNP rs2489250766, ClinGen allele CA2579346874.